The following is an entry in ClinVar:

ClinVar aggregate classification (germline): Uncertain significance. Review status: criteria provided, multiple submitters, no conflicts (2 of 4 stars). 5 submissions from 5 submitters: Uncertain significance (5). Last evaluated 2022-07-22.

Conditions:
Marfan syndrome (MFS). Also called: FBN1-Related Marfan Syndrome; Marfan syndrome, classic; MARFAN SYNDROME, TYPE I; Marfan syndrome type 1; Marfan's syndrome. Identifiers: Orphanet 284963, Orphanet 558, MedGen C0024796, MONDO:0007947, OMIM 154700.
Familial thoracic aortic aneurysm and aortic dissection (TAAD). Also called: Thoracic aortic aneurysms and dissections. Identifiers: Orphanet 91387, MedGen C4707243, MONDO:0019625.

Submissions (5):

Labcorp Genetics (formerly Invitae), Labcorp
Classification: Uncertain significance for Marfan syndrome; Familial thoracic aortic aneurysm and aortic dissection. Last evaluated: 2022-07-22. Review status: criteria provided, single submitter. Criteria: Invitae Variant Classification Sherloc (09022015). Collection method: clinical testing. Allele origin: germline.
Comment: This sequence change falls in intron 40 of the FBN1 gene. It does not directly change the encoded amino acid sequence of the FBN1 protein. It affects a nucleotide within the consensus splice site. This variant is not present in population databases (gnomAD no frequency). This variant has been observed in individual(s) with clinical features of FBN1-related disease (PMID: 24793577; Invitae). ClinVar contains an entry for this variant (Variation ID: 42374). Variants that disrupt the consensus splice site are a relatively common cause of aberrant splicing (PMID: 17576681, 9536098). Algorithms developed to predict the effect of sequence changes on RNA splicing suggest that this variant may disrupt the consensus splice site. In summary, the available evidence is currently insufficient to determine the role of this variant in disease. Therefore, it has been classified as a Variant of Uncertain Significance.

Centre of Medical Genetics, University of Antwerp
Classification: Uncertain significance for Marfan syndrome. Last evaluated: 2021-03-01. Review status: criteria provided, single submitter. Criteria: Submitter's publication. Collection method: research. Allele origin: unknown. Affected: yes.
Comment: PM2, PP6, PP4

GeneDx
Classification: Uncertain significance. Last evaluated: 2019-10-16. Review status: criteria provided, single submitter. Criteria: GeneDx Variant Classification Process June 2021. Collection method: clinical testing. Allele origin: germline. Affected: yes.
Comment: Not observed in large population cohorts (Lek et al., 2016); In-silico analysis, which includes splice predictors and evolutionary conservation, suggests this variant may impact gene splicing; in the absence of RNA/functional studies, the actual effect of this sequence change is unknown; Reported in ClinVar (ClinVar Variant ID 42374; Landrum et al., 2016); Reported in a child who fulfilled diagnostic criteria for Marfan syndrome, though clinical details were not provided (Lerner-Ellis et al., 2014); This variant is associated with the following publications: (PMID: 24793577)

Petrovsky National Research Centre of Surgery, The Federal Agency for Scientific Organizations
Classification: Uncertain significance for Marfan syndrome. Last evaluated: 2019-07-19. Review status: criteria provided, single submitter. Criteria: ACMG Guidelines, 2015. Collection method: clinical testing. Allele origin: unknown. Inheritance: Autosomal dominant inheritance. Affected: yes. Observed: 1 heterozygote.
Comment: This variant has an entry in the ClinVar (Variation ID:42374). Evaluation at our clinical center was done with in silico method with the use of NetGene2, Human Splicing Finder. Although calculations show probable affection on splicing, we classify it as uncertain significance. Functional study deemed necessary.

Laboratory for Molecular Medicine, Mass General Brigham Personalized Medicine
Classification: Uncertain significance. Last evaluated: 2006-10-28. Review status: criteria provided, single submitter. Criteria: LMM Criteria. Collection method: clinical testing. Allele origin: germline. Observed: 2 variant alleles.

Literature cited by the submitters: PubMed 24793577 (cited by Labcorp Genetics (formerly Invitae), Labcorp); PubMed 17576681 (cited by Labcorp Genetics (formerly Invitae), Labcorp); PubMed 9536098 (cited by Labcorp Genetics (formerly Invitae), Labcorp).

NM_000138.5(FBN1):c.4942+4A>G

Gene: FBN1 (fibrillin 1; minus strand). Cytogenetic location: 15q21.1.
Variant type: single nucleotide variant.
Coding change: c.4942+4A>G on transcript NM_000138.5 (MANE Select); 4 bases into the intron after coding-DNA position 4942, A replaced by G.
Molecular consequence: intron variant.
Genome position (GRCh38, 1-based): chr15:48,465,564, T>C on the plus strand (A>G on the coding strand, the complement: FBN1 is on the minus strand). VCF-style: chr15-48465564-T-C. GRCh37 (hg19) VCF-style: chr15-48757761-T-C.
Identifiers: ClinVar variation 42374 (VCV000042374.33), dbSNP rs397515815, ClinGen allele CA015492.